The following is an entry in ClinVar:

NM_003922.4(HERC1):c.6213C>T (p.Cys2071=)

Gene: HERC1 (HECT and RLD domain containing E3 ubiquitin protein ligase family member 1; minus strand). Cytogenetic location: 15q22.31.
Variant type: single nucleotide variant.
Coding change: c.6213C>T on transcript NM_003922.4 (MANE Select); coding-DNA position 6213, C replaced by T.
Protein change: p.Cys2071=; no amino-acid change (cysteine 2071 retained).
Molecular consequence: synonymous variant.
Genome position (GRCh38, 1-based): chr15:63,686,371, G>A on the plus strand (C>T on the coding strand, the complement: HERC1 is on the minus strand). VCF-style: chr15-63686371-G-A. GRCh37 (hg19) VCF-style: chr15-63978570-G-A.
Identifiers: ClinVar variation 3771467 (VCV003771467.13).
Genomic context (GRCh38, chr15:63,686,371, plus strand): 5'-AAAGGACTAAAAGACAAAATGCTAAAAACTATTAGATTTTCTACGTACCTTCCACTGATA[G>A]CACCCAGAAGTTACTCCTGTAGATGCCAATCCATATCCTTTCCCTCCACTGCCGTGAGTT-3'
Protein context (NP_003913.3, residues 2061-2081): GLASTGVTSG[Cys2071=]YQWKFYIVKE

ClinVar aggregate classification (germline): Likely benign (1 of 4 stars; one submission).

Submission:

CeGaT Center for Human Genetics Tuebingen
Classification: Likely benign. Last evaluated: 2025-02-01. Review status: criteria provided, single submitter. Criteria: CeGaT Center For Human Genetics Tuebingen Variant Classification Criteria Version 2. Collection method: clinical testing. Allele origin: germline. Affected: yes. Observed: 1 variant allele.
Comment: HERC1: PM2:Supporting, BP4, BP7